The following is an entry in ClinVar:

ClinVar aggregate classification (germline): Uncertain significance. Review status: criteria provided, multiple submitters, no conflicts (2 of 4 stars). 2 submissions from 2 submitters: Uncertain significance (2). Last evaluated 2024-07-30.

Conditions:
Hereditary spastic paraplegia 53. Also called: Spastic paraplegia 53, autosomal recessive. Identifiers: Orphanet 319199, MedGen C3539494, MONDO:0013962, OMIM 614898.

Allele frequency attached by ClinVar (database versions not stated): TOPMed below 0.00001; gnomAD 0.00004; gnomAD exomes 0.00007; ExAC 0.00013.
gnomAD v4.1: 102 of 1,593,800 alleles (0.0064%); highest among the groups gnomAD compares: South Asian, 0.11%; no homozygotes.

Submissions (2):

Labcorp Genetics (formerly Invitae), Labcorp
Classification: Uncertain significance for Hereditary spastic paraplegia 53. Last evaluated: 2024-07-30. Review status: criteria provided, single submitter. Criteria: Invitae Variant Classification Sherloc (09022015). Collection method: clinical testing. Allele origin: germline.
Comment: This sequence change replaces leucine, which is neutral and non-polar, with arginine, which is basic and polar, at codon 330 of the VPS37A protein (p.Leu330Arg). This variant is present in population databases (rs780488237, gnomAD 0.09%), and has an allele count higher than expected for a pathogenic variant. This variant has not been reported in the literature in individuals affected with VPS37A-related conditions. Advanced modeling of protein sequence and biophysical properties (such as structural, functional, and spatial information, amino acid conservation, physicochemical variation, residue mobility, and thermodynamic stability) performed at Invitae indicates that this missense variant is expected to disrupt VPS37A protein function with a positive predictive value of 80%. In summary, the available evidence is currently insufficient to determine the role of this variant in disease. Therefore, it has been classified as a Variant of Uncertain Significance.

Ambry Genetics
Classification: Uncertain significance. Last evaluated: 2023-12-13. Review status: criteria provided, single submitter. Criteria: Ambry Variant Classification Scheme 2023. Collection method: clinical testing. Allele origin: germline.

NM_152415.3(VPS37A):c.989T>G (p.Leu330Arg)

Gene: VPS37A (VPS37A subunit of ESCRT-I; plus strand). Cytogenetic location: 8p22.
Variant type: single nucleotide variant.
Coding change: c.989T>G on transcript NM_152415.3 (MANE Select); coding-DNA position 989, T replaced by G.
Protein change: p.Leu330Arg; replaces leucine 330 with arginine.
Molecular consequence: missense variant.
Genome position (GRCh38, 1-based): chr8:17,284,492, T>G. VCF-style: chr8-17284492-T-G. GRCh37 (hg19) VCF-style: chr8-17142001-T-G.
Other names: c.989T>G (NM_152415.2); c.914T>G, p.Leu305Arg (NM_001145152.2); c.971T>G, p.Leu324Arg (NM_001363167.1); c.719T>G, p.Leu240Arg (NM_001363168.1, NM_001363169.1); c.701T>G, p.Leu234Arg (NM_001363170.1, NM_001363171.1, NM_001363172.2); c.989T>G, p.Leu330Arg (NM_001363173.2); short protein forms L330R, L234R, L240R, L324R, L305R.
Identifiers: ClinVar variation 2913011 (VCV002913011.4), dbSNP rs780488237, ClinGen allele CA4643590.